The following is an entry in ClinVar:

ClinVar aggregate classification (germline): Pathogenic. Review status: criteria provided, multiple submitters, no conflicts (2 of 4 stars). 2 submissions from 2 submitters: Pathogenic (2). Last evaluated 2025-03-12.

Conditions:
DYSF-related disorder. Also called: DYSF-related condition; DYSF-related disorders.
Neuromuscular disease caused by qualitative or quantitative defects of dysferlin. Also called: Qualitative or quantitative defects of dysferlin; Dysferlinopathy. Identifiers: Orphanet 207073, MedGen C2931687, MONDO:0016145.

Submissions (2):

PreventionGenetics, part of Exact Sciences
Classification: Pathogenic for DYSF-related condition. Last evaluated: 2025-03-12. Review status: criteria provided, single submitter. Criteria: ACMG Guidelines, 2015. Collection method: clinical testing. Allele origin: germline.
Comment: The DYSF c.342+1G>C variant is predicted to disrupt the GT donor site and interfere with normal splicing. To our knowledge, this variant has not been reported in the literature or in a large population database (gnomAD), indicating this variant is rare. Variants that disrupt the consensus splice donor site in DYSF are expected to be pathogenic. Alternate splice donor variants affecting the same donor site (c.342+1G>A and c.342+1G>T) have been reported in multiple individuals with autosomal recessive DYSF-related muscular dystrophy (Takahashi et al. 2013. PubMed ID: 23243261; Ghaoui et al. 2015. PubMed ID: 26436962; Wang et al. 2016. PubMed ID: 27347015). The c.342+1G>C variant is interpreted as pathogenic.

Labcorp Genetics (formerly Invitae), Labcorp
Classification: Pathogenic for Neuromuscular disease caused by qualitative or quantitative defects of dysferlin. Last evaluated: 2023-03-07. Review status: criteria provided, single submitter. Criteria: Invitae Variant Classification Sherloc (09022015). Collection method: clinical testing. Allele origin: germline.
Comment: Algorithms developed to predict the effect of sequence changes on RNA splicing suggest that this variant may disrupt the consensus splice site. For these reasons, this variant has been classified as Pathogenic. Disruption of this splice site has been observed in individual(s) with limb-girdle muscular dystrophy (PMID: 33610434). This variant is not present in population databases (gnomAD no frequency). This sequence change affects a donor splice site in intron 4 of the DYSF gene. It is expected to disrupt RNA splicing. Variants that disrupt the donor or acceptor splice site typically lead to a loss of protein function (PMID: 16199547), and loss-of-function variants in DYSF are known to be pathogenic (PMID: 17698709, 20301480).

Literature cited by the submitters: PubMed 33610434 (cited by Labcorp Genetics (formerly Invitae), Labcorp); PubMed 16199547 (cited by Labcorp Genetics (formerly Invitae), Labcorp); PubMed 17698709 (cited by Labcorp Genetics (formerly Invitae), Labcorp); PubMed 20301480 (cited by Labcorp Genetics (formerly Invitae), Labcorp).

NM_001130987.2(DYSF):c.345+1G>C

Gene: DYSF (dysferlin; plus strand). Cytogenetic location: 2p13.2.
Variant type: single nucleotide variant.
Coding change: c.345+1G>C on transcript NM_001130987.2 (MANE Select); the canonical splice donor site of the intron after coding-DNA position 345, G replaced by C.
Molecular consequence: splice donor variant.
Genome position (GRCh38, 1-based): chr2:71,503,320, G>C. VCF-style: chr2-71503320-G-C. GRCh37 (hg19) VCF-style: chr2-71730450-G-C.
Other names: c.342+1G>C (NM_003494.3, NM_001130979.2, NM_001130981.2 and 5 more transcripts); c.345+1G>C (NM_001130982.2, NM_001130985.2, NM_001130983.2 and 3 more transcripts).
Identifiers: ClinVar variation 2841481 (VCV002841481.4), dbSNP rs2152715844, ClinGen allele CA347204682.